The following is an entry in ClinVar:

ClinVar aggregate classification (germline): Uncertain significance (1 of 4 stars; one submission).

Conditions:
DOCK4-related disorder. Also called: DOCK4-related condition.

Submission:

PreventionGenetics, part of Exact Sciences
Classification: Uncertain significance for DOCK4-related condition. Last evaluated: 2025-08-07. Review status: criteria provided, single submitter. Criteria: ACMG Guidelines, 2015. Collection method: clinical testing. Allele origin: germline.
Comment: The DOCK4 c.5920C>T variant is predicted to result in premature protein termination (p.Gln1974*). To our knowledge, this variant has not been reported in the literature or in a large population database (gnomAD), indicating this variant is rare. Loss of function has not been conclusively established as a mechanism for DOCK4-related disorders. At this time, the clinical significance of this variant is uncertain due to the absence of conclusive functional and genetic evidence.

NM_001363540.2(DOCK4):c.5920C>T (p.Gln1974Ter)

Gene: DOCK4 (dedicator of cytokinesis 4; minus strand). Cytogenetic location: 7q31.1.
Variant type: single nucleotide variant.
Coding change: c.5920C>T on transcript NM_001363540.2 (MANE Select); coding-DNA position 5920, C replaced by T.
Protein change: p.Gln1974Ter; replaces glutamine 1974 with a stop codon.
Molecular consequence: nonsense.
Genome position (GRCh38, 1-based): chr7:111,728,282, G>A on the plus strand (C>T on the coding strand, the complement: DOCK4 is on the minus strand). VCF-style: chr7-111728282-G-A. GRCh37 (hg19) VCF-style: chr7-111368338-G-A.
Other names: c.5893C>T, p.Gln1965Ter (NM_014705.4); short protein forms Q1974*, Q1965*.
Identifiers: ClinVar variation 4998589 (VCV004998589.1).